The following is an entry in ClinVar:

NM_014159.7(SETD2):c.1348T>C (p.Tyr450His)

Gene: SETD2 (SET domain containing 2, histone lysine methyltransferase; minus strand). Cytogenetic location: 3p21.31.
Variant type: single nucleotide variant.
Coding change: c.1348T>C on transcript NM_014159.7 (MANE Select); coding-DNA position 1348, T replaced by C.
Protein change: p.Tyr450His; replaces tyrosine 450 with histidine.
Molecular consequence: missense variant. On other transcripts: non-coding transcript variant (1).
Genome position (GRCh38, 1-based): chr3:47,123,288, A>G on the plus strand (T>C on the coding strand, the complement: SETD2 is on the minus strand). VCF-style: chr3-47123288-A-G. GRCh37 (hg19) VCF-style: chr3-47164778-A-G.
Other names: c.1216T>C, p.Tyr406His (NM_001349370.3); short protein forms Y406H, Y450H.
Identifiers: ClinVar variation 3631721 (VCV003631721.2).

ClinVar aggregate classification (germline): Uncertain significance (1 of 4 stars; one submission).

Conditions:
Luscan-Lumish syndrome. Identifiers: Orphanet 597738, MedGen C4085873, MONDO:0014791, OMIM 616831.

Submission:

Labcorp Genetics (formerly Invitae), Labcorp
Classification: Uncertain significance for Luscan-Lumish syndrome. Last evaluated: 2024-11-21. Review status: criteria provided, single submitter. Criteria: Invitae Variant Classification Sherloc (09022015). Collection method: clinical testing. Allele origin: germline.
Comment: This sequence change replaces tyrosine, which is neutral and polar, with histidine, which is basic and polar, at codon 450 of the SETD2 protein (p.Tyr450His). This variant is not present in population databases (gnomAD no frequency). This variant has not been reported in the literature in individuals affected with SETD2-related conditions. An algorithm developed to predict the effect of missense changes on protein structure and function outputs the following: PolyPhen-2: "Benign". The histidine amino acid residue is found in multiple mammalian species, which suggests that this missense change does not adversely affect protein function. In summary, the available evidence is currently insufficient to determine the role of this variant in disease. Therefore, it has been classified as a Variant of Uncertain Significance.